The following is an entry in ClinVar:

ClinVar aggregate classification (germline): Pathogenic (1 of 4 stars; one submission).

Submission:

Labcorp Genetics (formerly Invitae), Labcorp
Classification: Pathogenic. Last evaluated: 2025-11-10. Review status: criteria provided, single submitter. Criteria: Invitae Variant Classification Sherloc (09022015). Collection method: clinical testing. Allele origin: germline.
Comment: This sequence change creates a premature translational stop signal (p.Ser1155Profs*96) in the COL18A1 gene. It is expected to result in an absent or disrupted protein product. Loss-of-function variants in COL18A1 are known to be pathogenic (PMID: 12415512, 25456301). This variant is not present in population databases (gnomAD no frequency). This variant has not been reported in the literature in individuals affected with COL18A1-related conditions. For these reasons, this variant has been classified as Pathogenic.

Literature cited by the submitters: PubMed 12415512; PubMed 25456301.

NM_001379500.1(COL18A1):c.3464_3471dup (p.Ser1158fs)

Genes: COL18A1 (collagen type XVIII alpha 1 chain; plus strand), SLC19A1 (solute carrier family 19 member 1; minus strand). Cytogenetic location: 21q22.3.
Variant type: Duplication.
Coding change: c.3464_3471dup on transcript NM_001379500.1 (MANE Select); coding-DNA positions 3464 to 3471, 8 bases duplicated (CCGCCCAC; older notation c.3464_3471dupCCGCCCAC).
Protein change: p.Ser1158fs; shifts the reading frame from serine 1158.
Molecular consequence: frameshift variant.
Genome position (GRCh38, 1-based): chr21:45,509,570-45,509,577, CCGCCCAC duplicated; duplicating any 8 consecutive bases within chr21:45,509,564-45,509,577 gives the same sequence; the c. name uses the placement nearest the transcript's 3' end. VCF-style (leftmost placement, unchanged base first): chr21-45509563-A-AGCCCACCC. GRCh37 (hg19) VCF-style: chr21-46929477-A-AGCCCACCC.
Other names: c.3995_4002dup, p.Ser1335fs (NM_030582.4); c.4700_4707dup, p.Ser1570fs (NM_130444.3); short protein forms S1335fs, S1158fs, S1570fs.
Identifiers: ClinVar variation 4730852 (VCV004730852.1).
Genomic context (GRCh38, chr21:45,509,563, plus strand): 5'-CCCTACCCCGGAGCCCCGCACCACAGCTCCTACGTGCACCTGCGGCCGGCGCGACCCACA[A>AGCCCACCC]GCCCACCCGCCCACAGCCACCGCGACTTCCAGCCGGTGGTGAGTGCCCCCCCAAAGTGGG-3'